The following is an entry in ClinVar:

ClinVar aggregate classification (germline): Uncertain significance (1 of 4 stars; one submission).

Submission:

Labcorp Genetics (formerly Invitae), Labcorp
Classification: Uncertain significance. Last evaluated: 2025-10-06. Review status: criteria provided, single submitter. Criteria: Invitae Variant Classification Sherloc (09022015). Collection method: clinical testing. Allele origin: germline.
Comment: This sequence change replaces valine, which is neutral and non-polar, with methionine, which is neutral and non-polar, at codon 1412 of the SPTA1 protein (p.Val1412Met). This variant is not present in population databases (gnomAD no frequency). This variant has not been reported in the literature in individuals affected with SPTA1-related conditions. Invitae Evidence Modeling of protein sequence and biophysical properties (such as structural, functional, and spatial information, amino acid conservation, physicochemical variation, residue mobility, and thermodynamic stability) indicates that this missense variant is not expected to disrupt SPTA1 protein function with a negative predictive value of 80%. In summary, the available evidence is currently insufficient to determine the role of this variant in disease. Therefore, it has been classified as a Variant of Uncertain Significance.

NM_003126.4(SPTA1):c.4234G>A (p.Val1412Met)

Gene: SPTA1 (spectrin alpha, erythrocytic 1; minus strand). Cytogenetic location: 1q23.1.
Variant type: single nucleotide variant.
Coding change: c.4234G>A on transcript NM_003126.4 (MANE Select); coding-DNA position 4234, G replaced by A.
Protein change: p.Val1412Met; replaces valine 1412 with methionine.
Molecular consequence: missense variant.
Genome position (GRCh38, 1-based): chr1:158,644,357, C>T on the plus strand (G>A on the coding strand, the complement: SPTA1 is on the minus strand). VCF-style: chr1-158644357-C-T. GRCh37 (hg19) VCF-style: chr1-158614147-C-T.
Other names: short protein forms V1412M.
Identifiers: ClinVar variation 4741273 (VCV004741273.1).